The following is an entry in ClinVar:

NM_000059.4(BRCA2):c.2227C>T (p.His743Tyr)

Gene: BRCA2 (BRCA2 DNA repair associated; plus strand). Cytogenetic location: 13q13.1.
Variant type: single nucleotide variant.
Coding change: c.2227C>T on transcript NM_000059.4 (MANE Select); coding-DNA position 2227, C replaced by T.
Protein change: p.His743Tyr; replaces histidine 743 with tyrosine.
Molecular consequence: missense variant. On other transcripts: non-coding transcript variant (1), intron variant (2).
Genome position (GRCh38, 1-based): chr13:32,336,582, C>T. VCF-style: chr13-32336582-C-T. GRCh37 (hg19) VCF-style: chr13-32910719-C-T.
Other names: c.2227C>T, p.His743Tyr (NM_001406719.1, NM_001406720.1, NM_001432077.1); c.1909+3195C>T (NM_001406721.1); c.424+5552C>T (NM_001406722.1); short protein forms H743Y.
Identifiers: ClinVar variation 4626720 (VCV004626720.1).
Genomic context (GRCh38, chr13:32,336,582, plus strand): 5'-AGCAAAAAAGTTTCAGATATAAAAGAAGAGGTCTTGGCTGCAGCATGTCACCCAGTACAA[C>T]ATTCAAAAGTGGAATACAGTGATACTGACTTTCAATCCCAGAAAAGTCTTTTATATGATC-3'
Protein context (NP_000050.3, residues 733-753): VLAAACHPVQ[His743Tyr]SKVEYSDTDF

ClinVar aggregate classification (germline): Uncertain significance (1 of 4 stars; one submission).

Conditions:
Hereditary cancer-predisposing syndrome. Also called: Neoplastic Syndromes, Hereditary; Tumor predisposition; Hereditary Cancer Syndrome; Hereditary neoplastic syndrome. Identifiers: Orphanet 140162, MedGen C0027672, MeSH D009386, MONDO:0015356.

Submission:

Ambry Genetics
Classification: Uncertain significance for Hereditary cancer-predisposing syndrome. Last evaluated: 2025-11-05. Review status: criteria provided, single submitter. Criteria: Ambry Variant Classification Scheme 2023. Collection method: clinical testing. Allele origin: germline.
Comment: The p.H743Y variant (also known as c.2227C>T), located in coding exon 10 of the BRCA2 gene, results from a C to T substitution at nucleotide position 2227. The histidine at codon 743 is replaced by tyrosine, an amino acid with similar properties. This amino acid position is not well conserved in available vertebrate species. In addition, this alteration is predicted to be tolerated by in silico analysis. Based on the available evidence, the clinical significance of this variant remains unclear.